The following is an entry in ClinVar:

NM_014014.5(SNRNP200):c.1253A>G (p.Gln418Arg)

Gene: SNRNP200 (small nuclear ribonucleoprotein U5 subunit 200; minus strand). Cytogenetic location: 2q11.2.
Variant type: single nucleotide variant.
Coding change: c.1253A>G on transcript NM_014014.5 (MANE Select); coding-DNA position 1253, A replaced by G.
Protein change: p.Gln418Arg; replaces glutamine 418 with arginine.
Molecular consequence: missense variant.
Genome position (GRCh38, 1-based): chr2:96,297,487, T>C on the plus strand (A>G on the coding strand, the complement: SNRNP200 is on the minus strand). VCF-style: chr2-96297487-T-C. GRCh37 (hg19) VCF-style: chr2-96963225-T-C.
Other names: short protein forms Q418R.
Identifiers: ClinVar variation 3662164 (VCV003662164.2).

ClinVar aggregate classification (germline): Uncertain significance (1 of 4 stars; one submission).

gnomAD v4.1: 2 of 1,614,142 alleles (0.00012%); highest among the groups gnomAD compares: Non-Finnish European, 0.00017%; no homozygotes.

Submission:

Labcorp Genetics (formerly Invitae), Labcorp
Classification: Uncertain significance. Last evaluated: 2024-08-12. Review status: criteria provided, single submitter. Criteria: Invitae Variant Classification Sherloc (09022015). Collection method: clinical testing. Allele origin: germline.
Comment: This sequence change replaces glutamine, which is neutral and polar, with arginine, which is basic and polar, at codon 418 of the SNRNP200 protein (p.Gln418Arg). This variant is not present in population databases (gnomAD no frequency). This variant has not been reported in the literature in individuals affected with SNRNP200-related conditions. Advanced modeling of protein sequence and biophysical properties (such as structural, functional, and spatial information, amino acid conservation, physicochemical variation, residue mobility, and thermodynamic stability) performed at Invitae indicates that this missense variant is expected to disrupt SNRNP200 protein function with a positive predictive value of 80%. In summary, the available evidence is currently insufficient to determine the role of this variant in disease. Therefore, it has been classified as a Variant of Uncertain Significance.